The following is an entry in ClinVar:

NM_032444.4(SLX4):c.5327T>G (p.Phe1776Cys)

Gene: SLX4 (SLX4 structure-specific endonuclease subunit; minus strand). Cytogenetic location: 16p13.3.
Variant type: single nucleotide variant.
Coding change: c.5327T>G on transcript NM_032444.4 (MANE Select); coding-DNA position 5327, T replaced by G.
Protein change: p.Phe1776Cys; replaces phenylalanine 1776 with cysteine.
Molecular consequence: missense variant.
Genome position (GRCh38, 1-based): chr16:3,582,520, A>C on the plus strand (T>G on the coding strand, the complement: SLX4 is on the minus strand). VCF-style: chr16-3582520-A-C. GRCh37 (hg19) VCF-style: chr16-3632521-A-C.
Other names: short protein forms F1776C.
Identifiers: ClinVar variation 1521147 (VCV001521147.6), dbSNP rs747442815, ClinGen allele CA394513727.

ClinVar aggregate classification (germline): Uncertain significance (1 of 4 stars; one submission).

Conditions:
Fanconi anemia (FA). Also called: Fanconi's anemia. Identifiers: Orphanet 84, MedGen C0015625, MeSH D005199, MONDO:0019391.

gnomAD v4.1: 3 of 1,614,000 alleles (0.00019%); highest among the groups gnomAD compares: Admixed American, 0.0033%; no homozygotes.

Submission:

Labcorp Genetics (formerly Invitae), Labcorp
Classification: Uncertain significance for Fanconi anemia. Last evaluated: 2024-08-08. Review status: criteria provided, single submitter. Criteria: Invitae Variant Classification Sherloc (09022015). Collection method: clinical testing. Allele origin: germline.
Comment: This sequence change replaces phenylalanine, which is neutral and non-polar, with cysteine, which is neutral and slightly polar, at codon 1776 of the SLX4 protein (p.Phe1776Cys). This variant is not present in population databases (gnomAD no frequency). This variant has not been reported in the literature in individuals affected with SLX4-related conditions. ClinVar contains an entry for this variant (Variation ID: 1521147). An algorithm developed to predict the effect of missense changes on protein structure and function (PolyPhen-2) suggests that this variant is likely to be disruptive. In summary, the available evidence is currently insufficient to determine the role of this variant in disease. Therefore, it has been classified as a Variant of Uncertain Significance.